The following is an entry in ClinVar:

NM_001330723.2(SNX27):c.19G>A (p.Glu7Lys)

Genes: SNX27 (sorting nexin 27; plus strand), LOC129931442 (ATAC-STARR-seq lymphoblastoid silent region 1324; plus strand). Cytogenetic location: 1q21.3.
Variant type: single nucleotide variant.
Coding change: c.19G>A on transcript NM_001330723.2 (MANE Select); coding-DNA position 19, G replaced by A.
Protein change: p.Glu7Lys; replaces glutamic acid 7 with lysine.
Molecular consequence: missense variant.
Genome position (GRCh38, 1-based): chr1:151,612,220, G>A. VCF-style: chr1-151612220-G-A. GRCh37 (hg19) VCF-style: chr1-151584696-G-A.
Other names: c.19G>A, p.Glu7Lys (NM_030918.6); short protein forms E7K.
Identifiers: ClinVar variation 1061117 (VCV001061117.9), dbSNP rs2102578114, ClinGen allele CA341973343.

ClinVar aggregate classification (germline): Uncertain significance (1 of 4 stars; one submission).

Conditions:
Severe myoclonic epilepsy in infancy (DRVT). Also called: DEVELOPMENTAL AND EPILEPTIC ENCEPHALOPATHY 6A; Severe Myoclonic Epilepsy in Infancy (SMEI); Dravet syndrome; Epileptic encephalopathy, early infantile, 6 (Dravet syndrome); SEVERE MYOCLONIC EPILEPSY OF INFANCY. Identifiers: Orphanet 33069, MedGen C0751122, MONDO:0100135, OMIM 607208.

Submission:

Labcorp Genetics (formerly Invitae), Labcorp
Classification: Uncertain significance for Severe myoclonic epilepsy in infancy. Last evaluated: 2020-09-08. Review status: criteria provided, single submitter. Criteria: Invitae Variant Classification Sherloc (09022015). Collection method: clinical testing. Allele origin: germline.
Comment: This variant has not been reported in the literature in individuals with SNX27-related conditions. In summary, the available evidence is currently insufficient to determine the role of this variant in disease. Therefore, it has been classified as a Variant of Uncertain Significance. Algorithms developed to predict the effect of missense changes on protein structure and function are either unavailable or do not agree on the potential impact of this missense change (SIFT: "Deleterious"; PolyPhen-2: "Benign"; Align-GVGD: "Class C0"). The frequency data for this variant in the population databases is considered unreliable, as metrics indicate insufficient coverage at this position in the ExAC database. This sequence change replaces glutamic acid with lysine at codon 7 of the SNX27 protein (p.Glu7Lys). The glutamic acid residue is moderately conserved and there is a small physicochemical difference between glutamic acid and lysine.